The following is an entry in ClinVar:

ClinVar aggregate classification (germline): Conflicting classifications of pathogenicity. Review status: criteria provided, conflicting classifications (1 of 4 stars). 2 submissions from 2 submitters: Uncertain significance (1); Likely benign (1). Last evaluated 2023-12-16.

gnomAD v4.1: 7 of 1,611,366 alleles (0.00043%); highest among the groups gnomAD compares: Non-Finnish European, 0.00059%; no homozygotes.

Submissions (2):

Labcorp Genetics (formerly Invitae), Labcorp
Classification: Uncertain significance. Last evaluated: 2023-12-16. Review status: criteria provided, single submitter. Criteria: Invitae Variant Classification Sherloc (09022015). Collection method: clinical testing. Allele origin: germline.
Comment: This sequence change replaces tyrosine, which is neutral and polar, with phenylalanine, which is neutral and non-polar, at codon 3 of the PPP2R5D protein (p.Tyr3Phe). This variant is not present in population databases (gnomAD no frequency). This variant has not been reported in the literature in individuals affected with PPP2R5D-related conditions. ClinVar contains an entry for this variant (Variation ID: 1208150). An algorithm developed to predict the effect of missense changes on protein structure and function (PolyPhen-2) suggests that this variant is likely to be tolerated. In summary, the available evidence is currently insufficient to determine the role of this variant in disease. Therefore, it has been classified as a Variant of Uncertain Significance.

GeneDx
Classification: Likely benign. Last evaluated: 2019-04-02. Review status: criteria provided, single submitter. Criteria: GeneDx Variant Classification Process June 2021. Collection method: clinical testing. Allele origin: germline. Affected: yes.
Comment: In silico analysis, which includes protein predictors and evolutionary conservation, supports that this variant does not alter protein structure/function; Has not been previously published as pathogenic or benign to our knowledge; Not observed in large population cohorts (Lek et al., 2016)

NM_006245.4(PPP2R5D):c.8A>T (p.Tyr3Phe)

Genes: PPP2R5D (protein phosphatase 2 regulatory subunit B'delta; plus strand), LOC129996483 (ATAC-STARR-seq lymphoblastoid silent region 17211; plus strand). Cytogenetic location: 6p21.1.
Variant type: single nucleotide variant.
Coding change: c.8A>T on transcript NM_006245.4 (MANE Select); coding-DNA position 8, A replaced by T.
Protein change: p.Tyr3Phe; replaces tyrosine 3 with phenylalanine.
Molecular consequence: missense variant. On other transcripts: 5 prime UTR variant (1).
Genome position (GRCh38, 1-based): chr6:42,984,685, A>T. VCF-style: chr6-42984685-A-T. GRCh37 (hg19) VCF-style: chr6-42952423-A-T.
Other names: c.-463A>T (NM_001270476.2); c.8A>T, p.Tyr3Phe (NM_180976.3, NM_180977.3); short protein forms Y3F.
Identifiers: ClinVar variation 1208150 (VCV001208150.8), dbSNP rs2150245534, ClinGen allele CA364172508.
Genomic context (GRCh38, chr6:42,984,685, plus strand): 5'-AGCCGGAGCCGGAGCGGGGCCGCAGGAGACGGGCCGGGTCCGGACGGGCCGAGATGCCCT[A>T]TAAACTGAAAAAGGAGAAGGTGAGCGTGGCCCTTTTTCCCCCACCGCCGCCTTGGAGCCT-3'
Protein context (NP_006236.1, residues 1-13): MP[Tyr3Phe]KLKKEKEPPK